The following is an entry in ClinVar:

ClinVar aggregate classification (germline): Uncertain significance. Review status: criteria provided, multiple submitters, no conflicts (2 of 4 stars). 2 submissions from 2 submitters: Uncertain significance (2). Last evaluated 2025-12-10.

Conditions:
Emery-Dreifuss muscular dystrophy 5, autosomal dominant (EDMD5). Also called: EMERY-DREIFUSS MUSCULAR DYSTROPHY 5. Identifiers: Orphanet 261, MedGen C2751805, MONDO:0013072, OMIM 612999.

Allele frequency attached by ClinVar (database versions not stated): TOPMed 0.00004; ESP Exome Variant Server 0.00008.
gnomAD v4.1: 44 of 1,613,946 alleles (0.0027%); highest among the groups gnomAD compares: African/African-American, 0.012%; no homozygotes.

Submissions (2):

Labcorp Genetics (formerly Invitae), Labcorp
Classification: Uncertain significance for Emery-Dreifuss muscular dystrophy 5, autosomal dominant. Last evaluated: 2025-12-10. Review status: criteria provided, single submitter. Criteria: Invitae Variant Classification Sherloc (09022015). Collection method: clinical testing. Allele origin: germline.
Comment: This sequence change replaces glycine, which is neutral and non-polar, with serine, which is neutral and polar, at codon 6842 of the SYNE2 protein (p.Gly6842Ser). This variant is present in population databases (rs201538331, gnomAD 0.01%). This variant has not been reported in the literature in individuals affected with SYNE2-related conditions. ClinVar contains an entry for this variant (Variation ID: 573384). An algorithm developed to predict the effect of missense changes on protein structure and function outputs the following: PolyPhen-2: "Benign". The serine amino acid residue is found in multiple mammalian species, which suggests that this missense change does not adversely affect protein function. In summary, the available evidence is currently insufficient to determine the role of this variant in disease. Therefore, it has been classified as a Variant of Uncertain Significance.

Ambry Genetics
Classification: Uncertain significance. Last evaluated: 2024-10-09. Review status: criteria provided, single submitter. Criteria: Ambry Variant Classification Scheme 2023. Collection method: clinical testing. Allele origin: germline.

NM_182914.3(SYNE2):c.20524G>A (p.Gly6842Ser)

Gene: SYNE2 (spectrin repeat containing nuclear envelope protein 2; plus strand). Cytogenetic location: 14q23.2.
Variant type: single nucleotide variant.
Coding change: c.20524G>A on transcript NM_182914.3 (MANE Select); coding-DNA position 20524, G replaced by A.
Protein change: p.Gly6842Ser; replaces glycine 6842 with serine.
Molecular consequence: missense variant.
Genome position (GRCh38, 1-based): chr14:64,225,326, G>A. VCF-style: chr14-64225326-G-A. GRCh37 (hg19) VCF-style: chr14-64692044-G-A.
Other names: c.20458G>A, p.Gly6820Ser (NM_015180.6); c.1090G>A, p.Gly364Ser (NM_182910.2); c.1471G>A, p.Gly491Ser (NM_182913.4); short protein forms G6842S, G364S, G491S, G6820S.
Identifiers: ClinVar variation 573384 (VCV000573384.11), dbSNP rs201538331, ClinGen allele CA7224936.